The following is an entry in ClinVar:

NM_213647.3(FGFR4):c.1880A>G (p.Lys627Arg)

Gene: FGFR4 (fibroblast growth factor receptor 4; plus strand). Cytogenetic location: 5q35.2.
Variant type: single nucleotide variant.
Coding change: c.1880A>G on transcript NM_213647.3 (MANE Select); coding-DNA position 1880, A replaced by G.
Protein change: p.Lys627Arg; replaces lysine 627 with arginine.
Molecular consequence: missense variant.
Genome position (GRCh38, 1-based): chr5:177,096,115, A>G. VCF-style: chr5-177096115-A-G. GRCh37 (hg19) VCF-style: chr5-176523116-A-G.
Other names: c.1676A>G, p.Lys559Arg (NM_001291980.2); c.1880A>G, p.Lys627Arg (NM_001354984.2, NM_002011.5); c.1760A>G, p.Lys587Arg (NM_022963.3); short protein forms K559R, K587R, K627R.
Identifiers: ClinVar variation 4530031 (VCV004530031.1).

ClinVar aggregate classification (somatic clinical impact): Tier II - Potential (1 of 4 stars; one submission).

Conditions:
Embryonal rhabdomyosarcoma (ERMS). Also called: Botryoid rhabdomyosarcoma (type of ERMS); Spindle cell rhabdomyosarcomas (type of ERMS). Identifiers: Orphanet 99757, MedGen C0206656, MONDO:0009993, HP:0006743.

Submission:

Institute for Genomic Medicine (IGM) Clinical Laboratory, Nationwide Children's Hospital
Classification: Tier II - Potential for Embryonal rhabdomyosarcoma. Assertion type: diagnostic. Clinical significance: supports diagnosis. Last evaluated: 2023-12-19. Review status: criteria provided, single submitter. Criteria: AMP/ASCO/CAP Guidelines, 2017. Collection method: clinical testing. Allele origin: somatic. Affected: yes.
Comment: Variant has Tier II (potential) clinical significance as a diagnostic inclusion criterion in embryonal rhabdomyosarcoma, based on the following evidence: 1) Appears in one or more well-established professional guidelines (e.g., World Health Organization [WHO]; National Comprehensive Cancer Network [NCCN]) as providing diagnostic, prognostic, or therapeutic information. 2) Information in the literature supports potential biologic effect of variant (PMID: 17803937). 3) Diagnostic significance based on multiple small studies (Evidence Level C).

Literature cited by the submitters: PubMed 17803937.